The following is an entry in ClinVar:

ClinVar aggregate classification (germline): Likely benign. Review status: criteria provided, multiple submitters, no conflicts (2 of 4 stars). 4 submissions from 4 submitters: Likely benign (3). 1 of the submissions does not count toward it. Last evaluated 2026-02-01.

Conditions:
Inborn genetic diseases. Identifiers: MedGen C0950123, MeSH D030342.
Glutaric aciduria, type 1. Also called: Glutaryl-CoA dehydrogenase deficiency; Glutaricacidemia Type 1; Glutaric acidemia type I; Glutaricaciduria, type I; Glutaric Acidemia Type 1; GA I. Identifiers: Orphanet 25, MedGen C0268595, MONDO:0009281, OMIM 231670.

Allele frequency attached by ClinVar (database versions not stated): gnomAD 0.00002 and 0.00003; gnomAD exomes 0.00002 and 0.00003; ExAC 0.00005; TOPMed 0.00005.
gnomAD v4.1: 30 of 1,613,556 alleles (0.0019%); highest among the groups gnomAD compares: South Asian, 0.0033%; no homozygotes.

Submissions (4):

CeGaT Center for Human Genetics Tuebingen
Classification: Likely benign. Last evaluated: 2026-02-01. Review status: criteria provided, single submitter. Criteria: CeGaT Center For Human Genetics Tuebingen Variant Classification Criteria Version 2. Collection method: clinical testing. Allele origin: germline. Affected: yes. Observed: 1 variant allele.
Comment: GCDH: BP4, BP7

Labcorp Genetics (formerly Invitae), Labcorp
Classification: Likely benign for Glutaric aciduria, type 1. Last evaluated: 2026-01-14. Review status: criteria provided, single submitter. Criteria: Invitae Variant Classification Sherloc (09022015). Collection method: clinical testing. Allele origin: germline.

Ambry Genetics
Classification: Likely benign for Inborn genetic diseases. Last evaluated: 2023-01-13. Review status: criteria provided, single submitter. Criteria: Ambry Variant Classification Scheme 2023. Collection method: clinical testing. Allele origin: germline.

Natera, Inc.
Classification: Likely benign for Glutaric acidemia type 1. Last evaluated: 2021-03-03. Review status: no assertion criteria provided. Collection method: clinical testing. Allele origin: germline. Not counted in ClinVar's aggregate classification.

NM_000159.4(GCDH):c.54C>T (p.His18=)

Genes: GCDH (glutaryl-CoA dehydrogenase; plus strand), LOC117125594 (CRISPRi-FlowFISH-validated KLF1 regulatory element; plus strand). Cytogenetic location: 19p13.13.
Variant type: single nucleotide variant.
Coding change: c.54C>T on transcript NM_000159.4 (MANE Select); coding-DNA position 54, C replaced by T.
Protein change: p.His18=; no amino-acid change (histidine 18 retained).
Molecular consequence: synonymous variant. On other transcripts: non-coding transcript variant (2).
Genome position (GRCh38, 1-based): chr19:12,891,358, C>T. VCF-style: chr19-12891358-C-T. GRCh37 (hg19) VCF-style: chr19-13002172-C-T.
Other names: c.54C>T (NM_000159.2); c.54C>T, p.His18= (NM_013976.5).
Identifiers: ClinVar variation 703132 (VCV000703132.23), dbSNP rs747459082, ClinGen allele CA9234179.